The following is an entry in ClinVar:

ClinVar aggregate classification (germline): Likely pathogenic. Review status: criteria provided, multiple submitters, no conflicts (2 of 4 stars). 2 submissions from 2 submitters: Likely pathogenic (2). Last evaluated 2019-12-03.

Conditions:
TGFBR1-related disorder. Also called: TGFBR1-related condition.

Submissions (2):

Blueprint Genetics
Classification: Likely pathogenic for TGFBR1-related disorders. Last evaluated: 2019-12-03. Review status: criteria provided, single submitter. Criteria: ACMG Guidelines, 2015. Collection method: clinical testing. Allele origin: germline. Affected: yes. Observed: 1 variant allele.

GeneDx
Classification: Likely pathogenic. Last evaluated: 2015-04-27. Review status: criteria provided, single submitter. Criteria: GeneDx Variant Classification (06012015). Collection method: clinical testing. Allele origin: germline. Affected: yes.
Comment: p.Asp351Ala (D351A) GAC>GCC: c.1052 A>C in exon 6 of the TGFBR1 gene (NM_004612.2) The D351A variant that is likely pathogenic was identified in the TGFBR1 gene. It has not been published as a mutation, nor has it been reported as a benign polymorphism to our knowledge. The D351A variant was not observed in approximately 6,500 individuals of European and African American ancestry in the NHLBI Exome Sequencing Project, indicating it is not a common benign variant in these populations. The D351A variant is a non-conservative amino acid substitution, which is likely to impact secondary protein structure as these residues differ in polarity, charge, size and/or other properties. This substitution occurs at a position that is conserved across species. In silico analysis predicts this variant is probably damaging to the protein structure/function. A missense mutation in the same residue (D351G) and in nearby residues (A350E, G353V, L354P) have been reported in association with Loeys-Dietz syndrome, supporting the functional importance of this region of the protein. Therefore, this variant is a strong candidate for a pathogenic mutation, however the possibility that it is a benign variant cannot be excluded. This variant was found in TAADV2-1

NM_004612.4(TGFBR1):c.1052A>C (p.Asp351Ala)

Gene: TGFBR1 (transforming growth factor beta receptor 1; plus strand). Cytogenetic location: 9q22.33.
Variant type: single nucleotide variant.
Coding change: c.1052A>C on transcript NM_004612.4 (MANE Select); coding-DNA position 1052, A replaced by C.
Protein change: p.Asp351Ala; replaces aspartic acid 351 with alanine.
Molecular consequence: missense variant.
Genome position (GRCh38, 1-based): chr9:99,144,810, A>C. VCF-style: chr9-99144810-A-C. GRCh37 (hg19) VCF-style: chr9-101907092-A-C.
Other names: p.D351A:GAC>GCC; c.821A>C, p.Asp274Ala (NM_001130916.3); c.1064A>C, p.Asp355Ala (NM_001306210.2); short protein forms D351A, D274A, D355A.
Identifiers: ClinVar variation 213887 (VCV000213887.3), dbSNP rs863223822, ClinGen allele CA322591.